The following is an entry in ClinVar:

ClinVar aggregate classification (germline): Pathogenic. Review status: criteria provided, multiple submitters, no conflicts (2 of 4 stars). 2 submissions from 2 submitters: Pathogenic (2). Last evaluated 2023-04-08.

Allele frequency attached by ClinVar (database versions not stated): gnomAD exomes below 0.00001 and 0.00001; ExAC 0.00001; gnomAD 0.00001; 1000 Genomes Project 0.00020; 1000 Genomes Project 30x 0.00031.
gnomAD v4.1: 6 of 1,614,182 alleles (0.00037%); highest among the groups gnomAD compares: South Asian, 0.0066%; no homozygotes.

Submissions (2):

Labcorp Genetics (formerly Invitae), Labcorp
Classification: Pathogenic. Last evaluated: 2023-04-08. Review status: criteria provided, single submitter. Criteria: Invitae Variant Classification Sherloc (09022015). Collection method: clinical testing. Allele origin: germline.
Comment: This variant has not been reported in the literature in individuals affected with ABCC2-related conditions. ClinVar contains an entry for this variant (Variation ID: 595943). Algorithms developed to predict the effect of sequence changes on RNA splicing suggest that this variant may create or strengthen a splice site. For these reasons, this variant has been classified as Pathogenic. This variant is present in population databases (rs559137047, gnomAD 0.006%). This sequence change creates a premature translational stop signal (p.Gln1194*) in the ABCC2 gene. It is expected to result in an absent or disrupted protein product. Loss-of-function variants in ABCC2 are known to be pathogenic (PMID: 9185779, 16549534, 16952291).

Eurofins Ntd Llc (ga)
Classification: Pathogenic. Last evaluated: 2018-01-30. Review status: criteria provided, single submitter. Criteria: EGL Classification Definitions 2015. Collection method: clinical testing. Allele origin: germline. Observed: 1 variant allele, 1 homozygote.

Literature cited by the submitters: PubMed 9185779 (cited by Labcorp Genetics (formerly Invitae), Labcorp); PubMed 16549534 (cited by Labcorp Genetics (formerly Invitae), Labcorp); PubMed 16952291 (cited by Labcorp Genetics (formerly Invitae), Labcorp).

NM_000392.5(ABCC2):c.3580C>T (p.Gln1194Ter)

Gene: ABCC2 (ATP binding cassette subfamily C member 2; plus strand). Cytogenetic location: 10q24.2.
Variant type: single nucleotide variant.
Coding change: c.3580C>T on transcript NM_000392.5 (MANE Select); coding-DNA position 3580, C replaced by T.
Protein change: p.Gln1194Ter; replaces glutamine 1194 with a stop codon.
Molecular consequence: nonsense.
Genome position (GRCh38, 1-based): chr10:99,836,256, C>T. VCF-style: chr10-99836256-C-T. GRCh37 (hg19) VCF-style: chr10-101596013-C-T.
Other names: c.3580C>T, p.Gln1194Ter (LRG_1208t1); short protein forms Q1194*.
Identifiers: ClinVar variation 595943 (VCV000595943.8), dbSNP rs559137047, ClinGen allele CA5643855.